The following is an entry in ClinVar:

ClinVar aggregate classification (germline): Uncertain significance (1 of 4 stars; one submission).

Conditions:
Deficiency of 2-methylbutyryl-CoA dehydrogenase (ACADSB). Also called: 2-methylbutyrylglycinuria; 2-methylbutyryl-CoA dehydrogenase deficiency; SBCAD deficiency; 2-methylbutyric aciduria; Short branched-chain acyl-CoA dehydrogenase deficiency. Identifiers: Orphanet 79157, MedGen C1864912, MONDO:0012392, OMIM 610006, HP:0020147.

Allele frequency attached by ClinVar (database versions not stated): gnomAD exomes 0.00001; ESP Exome Variant Server 0.00008.
gnomAD v4.1: 12 of 1,613,736 alleles (0.00074%); highest among the groups gnomAD compares: Non-Finnish European, 0.00093%; no homozygotes.

Submission:

Labcorp Genetics (formerly Invitae), Labcorp
Classification: Uncertain significance for Deficiency of 2-methylbutyryl-CoA dehydrogenase. Last evaluated: 2023-08-10. Review status: criteria provided, single submitter. Criteria: Invitae Variant Classification Sherloc (09022015). Collection method: clinical testing. Allele origin: germline.
Comment: In summary, the available evidence is currently insufficient to determine the role of this variant in disease. Therefore, it has been classified as a Variant of Uncertain Significance. Advanced modeling of protein sequence and biophysical properties (such as structural, functional, and spatial information, amino acid conservation, physicochemical variation, residue mobility, and thermodynamic stability) performed at Invitae indicates that this missense variant is not expected to disrupt ACADSB protein function. This missense change has been observed in individual(s) with clinical features of short/branched-chain acyl-CoA dehydrogenase deficiency (Invitae). In at least one individual the data is consistent with being in trans (on the opposite chromosome) from a pathogenic variant. This variant is present in population databases (rs373482411, gnomAD 0.0009%). This sequence change replaces glycine, which is neutral and non-polar, with arginine, which is basic and polar, at codon 379 of the ACADSB protein (p.Gly379Arg).

NM_001609.4(ACADSB):c.1135G>A (p.Gly379Arg)

Gene: ACADSB (acyl-CoA dehydrogenase short/branched chain; plus strand). Cytogenetic location: 10q26.13.
Variant type: single nucleotide variant.
Coding change: c.1135G>A on transcript NM_001609.4 (MANE Select); coding-DNA position 1135, G replaced by A.
Protein change: p.Gly379Arg; replaces glycine 379 with arginine.
Molecular consequence: missense variant.
Genome position (GRCh38, 1-based): chr10:123,053,067, G>A. VCF-style: chr10-123053067-G-A. GRCh37 (hg19) VCF-style: chr10-124812583-G-A.
Other names: c.829G>A, p.Gly277Arg (NM_001330174.3); short protein forms G277R, G379R.
Identifiers: ClinVar variation 2854456 (VCV002854456.3), dbSNP rs373482411, ClinGen allele CA215172043.
Genomic context (GRCh38, chr10:123,053,067, plus strand): 5'-TATCATGTATAAGTTATGTGGTTTCAGTGTGTGATTTGCACTTGCTTTTGGTAGATTGCA[G>A]GACAAACAACGAGTAAATGTATCGAGTGGATGGGGGGAGTAGGCTACACCAAAGATTACC-3'
Protein context (NP_001600.1, residues 369-389): MAKYYASEIA[Gly379Arg]QTTSKCIEWM